The following is an entry in ClinVar:

NM_178140.4(PDZD2):c.4782A>G (p.Ser1594=)

Gene: PDZD2 (PDZ domain containing 2; plus strand). Cytogenetic location: 5p13.3.
Variant type: single nucleotide variant.
Coding change: c.4782A>G on transcript NM_178140.4 (MANE Select); coding-DNA position 4782, A replaced by G.
Protein change: p.Ser1594=; no amino-acid change (serine 1594 retained).
Molecular consequence: synonymous variant.
Genome position (GRCh38, 1-based): chr5:32,088,230, A>G. VCF-style: chr5-32088230-A-G. GRCh37 (hg19) VCF-style: chr5-32088336-A-G.
Identifiers: ClinVar variation 3040845 (VCV003040845.2), dbSNP rs61740859, ClinGen allele CA3219791.

ClinVar aggregate classification (germline): Benign (0 of 4 stars; one submission).

Conditions:
PDZD2-related disorder. Also called: PDZD2-related condition.

Allele frequency attached by ClinVar (database versions not stated): gnomAD exomes 0.00026; ExAC 0.00082; ESP Exome Variant Server 0.00246; gnomAD 0.00286; TOPMed 0.00305; 1000 Genomes Project 30x 0.00375; 1000 Genomes Project 0.00399.
gnomAD v4.1: 834 of 1,614,192 alleles (0.052%); highest among the groups gnomAD compares: African/African-American, 1%; 5 homozygotes.

Submission:

PreventionGenetics, part of Exact Sciences
Classification: Benign for PDZD2-related condition. Last evaluated: 2019-09-18. Review status: no assertion criteria provided. Collection method: clinical testing. Allele origin: germline.
Comment: This variant is classified as benign based on ACMG/AMP sequence variant interpretation guidelines (Richards et al. 2015 PMID: 25741868, with internal and published modifications).